The following is an entry in ClinVar:

NM_000531.6(OTC):c.498G>C (p.Leu166Phe)

Gene: OTC (ornithine transcarbamylase; plus strand). Cytogenetic location: Xp11.4.
Variant type: single nucleotide variant.
Coding change: c.498G>C on transcript NM_000531.6 (MANE Select); coding-DNA position 498, G replaced by C.
Protein change: p.Leu166Phe; replaces leucine 166 with phenylalanine.
Molecular consequence: missense variant.
Genome position (GRCh38, 1-based): chrX:38,401,386, G>C. VCF-style: chrX-38401386-G-C. GRCh37 (hg19) VCF-style: chrX-38260639-G-C.
Other names: c.498G>C, p.Leu166Phe (NM_001407092.1); short protein forms L166F.
Identifiers: ClinVar variation 3612110 (VCV003612110.2).
Genomic context (GRCh38, chrX:38,401,386, plus strand): 5'-AGATTTGGACACCCTGGCTAAAGAAGCATCCATCCCAATTATCAATGGGCTGTCAGATTT[G>C]TACCATCCTATCCAGATCCTGGCTGATTACCTCACGCTCCAGGTTGGTTTATTTATTTGT-3'
Protein context (NP_000522.3, residues 156-176): SIPIINGLSD[Leu166Phe]YHPIQILADY

ClinVar aggregate classification (germline): Uncertain significance (1 of 4 stars; one submission).

Conditions:
Ornithine carbamoyltransferase deficiency (OTCD). Also called: ORNITHINE TRANSCARBAMYLASE DEFICIENCY; Ornithine Carbamoyltransferase Deficiency Disease; ORNITHINE TRANSCARBAMYLASE DEFICIENCY, HYPERAMMONEMIA DUE TO; OTC DEFICIENCY. Identifiers: Orphanet 664, MedGen C0268542, MONDO:0010703, OMIM 311250.

gnomAD v4.1: 3 of 1,205,810 alleles (0.00025%); highest among the groups gnomAD compares: Non-Finnish European, 0.00034%; no homozygotes.

Submission:

Labcorp Genetics (formerly Invitae), Labcorp
Classification: Uncertain significance for Ornithine carbamoyltransferase deficiency. Last evaluated: 2024-10-03. Review status: criteria provided, single submitter. Criteria: Invitae Variant Classification Sherloc (09022015). Collection method: clinical testing. Allele origin: germline.
Comment: This sequence change replaces leucine, which is neutral and non-polar, with phenylalanine, which is neutral and non-polar, at codon 166 of the OTC protein (p.Leu166Phe). This variant is not present in population databases (gnomAD no frequency). This variant has not been reported in the literature in individuals affected with OTC-related conditions. Invitae Evidence Modeling of protein sequence and biophysical properties (such as structural, functional, and spatial information, amino acid conservation, physicochemical variation, residue mobility, and thermodynamic stability) has been performed for this missense variant. However, the output from this modeling did not meet the statistical confidence thresholds required to predict the impact of this variant on OTC protein function. Experimental studies are conflicting or provide insufficient evidence to determine the effect of this variant on OTC function (PMID: 37146589). In summary, the available evidence is currently insufficient to determine the role of this variant in disease. Therefore, it has been classified as a Variant of Uncertain Significance.

Literature cited by the submitters: PubMed 37146589.